The following is an entry in ClinVar:

ClinVar aggregate classification (germline): Conflicting classifications of pathogenicity. Review status: criteria provided, conflicting classifications (1 of 4 stars). 18 submissions from 18 submitters: Uncertain significance (1); Benign (9); Likely benign (4). 4 of the submissions do not count toward it. Last evaluated 2026-08-01.

Conditions:
Cardiac arrhythmia. Also called: Cardiac rhythm disease; Arrhythmia. Identifiers: MedGen C0003811, MONDO:0007263, HP:0011675.
Cardiovascular phenotype. Identifiers: MedGen CN230736.
Long QT syndrome (LQTS). Identifiers: MedGen C0023976, MeSH D008133, MONDO:0002442. Disease mechanism: loss of function. Inheritance: Various modes of inheritance.
Long QT syndrome 2 (LQT2). Identifiers: Orphanet 101016, Orphanet 768, MedGen C3150943, MONDO:0013367, OMIM 613688.

Allele frequency attached by ClinVar (database versions not stated): ESP Exome Variant Server 0.00077; gnomAD exomes 0.00082 and 0.00127; gnomAD 0.00097 and 0.00098; ExAC 0.00118; TOPMed 0.00133; 1000 Genomes Project 30x 0.00156; 1000 Genomes Project 0.00160.
gnomAD v4.1: 1,382 of 1,572,678 alleles (0.088%); highest among the groups gnomAD compares: Middle Eastern, 0.51%; 5 homozygotes.

Submissions (18):

CeGaT Center for Human Genetics Tuebingen
Classification: Likely benign. Last evaluated: 2026-08-01. Review status: criteria provided, single submitter. Criteria: CeGaT Center For Human Genetics Tuebingen Variant Classification Criteria Version 2. Collection method: clinical testing. Allele origin: germline. Affected: yes. Observed: 45 variant alleles.
Comment: KCNH2: BP4, BP7, BS1

Labcorp Genetics (formerly Invitae), Labcorp
Classification: Benign for Long QT syndrome. Last evaluated: 2026-02-03. Review status: criteria provided, single submitter. Criteria: Invitae Variant Classification Sherloc (09022015). Collection method: clinical testing. Allele origin: germline.

Molecular Diagnostic Laboratory for Inherited Cardiovascular Disease, Montreal Heart Institute
Classification: Likely benign. Last evaluated: 2025-07-24. Review status: criteria provided, single submitter. Criteria: ACMG Guidelines, 2015. Collection method: clinical testing. Allele origin: germline. Affected: no.
Comment: BS1;BP7

Blueprint Genetics
Classification: Likely benign. Last evaluated: 2024-11-01. Review status: criteria provided, single submitter. Criteria: ACMG Guidelines, 2015. Collection method: clinical testing. Allele origin: germline.

Athena Diagnostics
Classification: Benign. Last evaluated: 2024-10-09. Review status: criteria provided, single submitter. Criteria: Athena Diagnostics Criteria. Collection method: clinical testing. Allele origin: unknown.

Mayo Clinic Laboratories, Mayo Clinic
Classification: Benign. Last evaluated: 2024-05-24. Review status: criteria provided, single submitter. Criteria: ACMG Guidelines, 2015. Collection method: clinical testing. Allele origin: germline. Observed: 3 variant alleles.
Comment: BS1, BS2, BP4, BP7

All of Us Research Program, National Institutes of Health
Classification: Benign for Long QT syndrome. Last evaluated: 2024-02-05. Review status: criteria provided, single submitter. Criteria: ACMG Guidelines, 2015. Collection method: clinical testing. Allele origin: germline. Inheritance: Autosomal dominant inheritance. Observed: 353 variant alleles, 352 heterozygotes, 1 homozygote.
Comment: This study involves interpretation of variants in research participants for the purpose of population health screening. Participant phenotype was not available at the time of variant classification. Additional details can be found in publication PMID: 35346344, PMCID: PMC8962531

Women's Health and Genetics/Laboratory Corporation of America, LabCorp
Classification: Benign. Last evaluated: 2020-10-24. Review status: criteria provided, single submitter. Criteria: LabCorp Variant Classification Summary - May 2015. Collection method: clinical testing. Allele origin: germline.

ARUP Laboratories, Molecular Genetics and Genomics, ARUP Laboratories
Classification: Benign. Last evaluated: 2019-11-11. Review status: criteria provided, single submitter. Criteria: ARUP Molecular Germline Variant Investigation Process. Collection method: clinical testing. Allele origin: germline.

Illumina Laboratory Services, Illumina
Classification: Benign for Long QT syndrome 2. Last evaluated: 2018-03-12. Review status: criteria provided, single submitter. Criteria: ICSL Variant Classification Criteria 13 December 2019. Collection method: clinical testing. Allele origin: germline.
Comment: This variant was observed as part of a predisposition screen in an ostensibly healthy population. A literature search was performed for the gene, cDNA change, and amino acid change (where applicable). No publications were found based on this search. Allele frequency data from public databases was too high to be consistent with this variant causing disease. Therefore, this variant is classified as benign.

Color Diagnostics, LLC DBA Color Health
Classification: Benign for Arrhythmia. Last evaluated: 2018-03-08. Review status: criteria provided, single submitter. Criteria: ACMG Guidelines, 2015. Collection method: clinical testing. Allele origin: germline.

Ambry Genetics
Classification: Likely benign for Cardiovascular phenotype. Last evaluated: 2015-03-25. Review status: criteria provided, single submitter. Criteria: Ambry Variant Classification Scheme 2023. Collection method: clinical testing. Allele origin: germline.

GeneDx
Classification: Benign. Last evaluated: 2015-03-03. Review status: criteria provided, single submitter. Criteria: GeneDx Variant Classification Process June 2021. Collection method: clinical testing. Allele origin: germline. Affected: yes.

Eurofins Ntd Llc (ga)
Classification: Uncertain significance. Last evaluated: 2015-02-11. Review status: criteria provided, single submitter. Criteria: EGL Classification Definitions 2015. Collection method: clinical testing. Allele origin: germline. Observed: 2 variant alleles, 2 heterozygotes.

Clinical Genetics DNA and cytogenetics Diagnostics Lab, Erasmus MC, Erasmus Medical Center
Classification: Benign. Review status: no assertion criteria provided. Collection method: clinical testing. Allele origin: germline. Affected: yes. Study: VKGL Data-share Consensus. Not counted in ClinVar's aggregate classification.

Clinical Genetics, Academic Medical Center
Classification: Benign. Review status: no assertion criteria provided. Collection method: clinical testing. Allele origin: germline. Affected: yes. Study: VKGL Data-share Consensus. Not counted in ClinVar's aggregate classification.

Genome Diagnostics Laboratory, University Medical Center Utrecht
Classification: Benign. Review status: no assertion criteria provided. Collection method: clinical testing. Allele origin: germline. Affected: yes. Study: VKGL Data-share Consensus. Not counted in ClinVar's aggregate classification.

Joint Genome Diagnostic Labs from Nijmegen and Maastricht, Radboudumc and MUMC+
Classification: Benign. Review status: no assertion criteria provided. Collection method: clinical testing. Allele origin: germline. Affected: yes. Study: VKGL Data-share Consensus. Not counted in ClinVar's aggregate classification.

NM_000238.4(KCNH2):c.1563C>T (p.Ile521=)

Gene: KCNH2 (potassium voltage-gated channel subfamily H member 2; minus strand). Cytogenetic location: 7q36.1.
Variant type: single nucleotide variant.
Coding change: c.1563C>T on transcript NM_000238.4 (MANE Select); coding-DNA position 1563, C replaced by T.
Protein change: p.Ile521=; no amino-acid change (isoleucine 521 retained).
Molecular consequence: synonymous variant. On other transcripts: non-coding transcript variant (2).
Genome position (GRCh38, 1-based): chr7:150,951,830, G>A on the plus strand (C>T on the coding strand, the complement: KCNH2 is on the minus strand). VCF-style: chr7-150951830-G-A. GRCh37 (hg19) VCF-style: chr7-150648918-G-A.
Other names: p.Ile521=; c.543C>T, p.Ile181= (NM_001204798.2, NM_172057.3); c.1275C>T, p.Ile425= (NM_001406753.1, NM_001406756.1); c.1386C>T, p.Ile462= (NM_001406755.1); c.1263C>T, p.Ile421= (NM_001406757.1); c.1563C>T, p.Ile521= (NM_172056.3).
Identifiers: ClinVar variation 70633 (VCV000070633.76), dbSNP rs143011005, ClinGen allele CA004789.